The following is an entry in ClinVar:

ClinVar aggregate classification (germline): Uncertain significance. Review status: criteria provided, multiple submitters, no conflicts (2 of 4 stars). 2 submissions from 2 submitters: Uncertain significance (2). Last evaluated 2024-02-15.

Conditions:
Hereditary sensory and autonomic neuropathy type 7. Also called: HSAN VII; Neuropathy, hereditary sensory and autonomic, type VII. Identifiers: Orphanet 391397, MedGen C3809882, MONDO:0014244, OMIM 615548.
Familial episodic pain syndrome with predominantly lower limb involvement. Also called: Episodic pain syndrome, familial, 3. Identifiers: Orphanet 391384, Orphanet 391392, MedGen C3809899, MONDO:0014247, OMIM 615552.

Allele frequency attached by ClinVar (database versions not stated): gnomAD exomes below 0.00001 and 0.00001; gnomAD 0.00001.
gnomAD v4.1: 10 of 1,613,922 alleles (0.00062%); highest among the groups gnomAD compares: East Asian, 0.0067%; no homozygotes.

Submissions (2):

Labcorp Genetics (formerly Invitae), Labcorp
Classification: Uncertain significance for Familial episodic pain syndrome with predominantly lower limb involvement; Hereditary sensory and autonomic neuropathy type 7. Last evaluated: 2024-02-15. Review status: criteria provided, single submitter. Criteria: Invitae Variant Classification Sherloc (09022015). Collection method: clinical testing. Allele origin: germline.
Comment: This sequence change replaces arginine, which is basic and polar, with tryptophan, which is neutral and slightly polar, at codon 1478 of the SCN11A protein (p.Arg1478Trp). This variant is present in population databases (no rsID available, gnomAD 0.005%). This variant has not been reported in the literature in individuals affected with SCN11A-related conditions. ClinVar contains an entry for this variant (Variation ID: 872002). Advanced modeling of protein sequence and biophysical properties (such as structural, functional, and spatial information, amino acid conservation, physicochemical variation, residue mobility, and thermodynamic stability) performed at Invitae indicates that this missense variant is expected to disrupt SCN11A protein function with a positive predictive value of 80%. In summary, the available evidence is currently insufficient to determine the role of this variant in disease. Therefore, it has been classified as a Variant of Uncertain Significance.

CeGaT Center for Human Genetics Tuebingen
Classification: Uncertain significance. Last evaluated: 2019-09-01. Review status: criteria provided, single submitter. Criteria: CeGaT Center For Human Genetics Tuebingen Variant Classification Criteria Version 2. Collection method: clinical testing. Allele origin: germline. Affected: yes. Observed: 1 variant allele.

NM_001349253.2(SCN11A):c.4432C>T (p.Arg1478Trp)

Gene: SCN11A (sodium voltage-gated channel alpha subunit 11; minus strand). Cytogenetic location: 3p22.2.
Variant type: single nucleotide variant.
Coding change: c.4432C>T on transcript NM_001349253.2 (MANE Select); coding-DNA position 4432, C replaced by T.
Protein change: p.Arg1478Trp; replaces arginine 1478 with tryptophan.
Molecular consequence: missense variant.
Genome position (GRCh38, 1-based): chr3:38,847,638, G>A on the plus strand (C>T on the coding strand, the complement: SCN11A is on the minus strand). VCF-style: chr3-38847638-G-A. GRCh37 (hg19) VCF-style: chr3-38889129-G-A.
Other names: c.4432C>T, p.Arg1478Trp (NM_014139.3); short protein forms R1478W.
Identifiers: ClinVar variation 872002 (VCV000872002.43), dbSNP rs868074183, ClinGen allele CA72960163.
Genomic context (GRCh38, chr3:38,847,638, plus strand): 5'-ACAGAGAAGGAAGCGACATCATCAGAGCAAAGAGGAGAGTCCTGATTCCTCGTGCAGCCC[G>A]GACAAGCCTCAGGATTCGGCCAATCCGAGCCAAGCGGACAATTCTGAAGAGCGTCGGAGG-3'
Protein context (NP_001336182.1, residues 1468-1488): ARIGRILRLV[Arg1478Trp]AARGIRTLLF